The following is an entry in ClinVar:

ClinVar aggregate classification (germline): Uncertain significance (1 of 4 stars; one submission).

Conditions:
Hereditary cancer-predisposing syndrome. Also called: Neoplastic Syndromes, Hereditary; Tumor predisposition; Hereditary neoplastic syndrome; Hereditary Cancer Syndrome. Identifiers: Orphanet 140162, MedGen C0027672, MeSH D009386, MONDO:0015356.

Submission:

Ambry Genetics
Classification: Uncertain significance for Hereditary cancer-predisposing syndrome. Last evaluated: 2026-07-07. Review status: criteria provided, single submitter. Criteria: Ambry Variant Classification Scheme 2023. Collection method: clinical testing. Allele origin: germline.
Comment: The p.K552I variant (also known as c.1655A>T), located in coding exon 11 of the PDGFRA gene, results from an A to T substitution at nucleotide position 1655. The lysine at codon 552 is replaced by isoleucine, an amino acid with dissimilar properties. This amino acid position is conserved. In addition, this alteration is predicted to be deleterious by in silico analysis. Based on the available evidence, the clinical significance of this variant remains unclear.

NM_006206.6(PDGFRA):c.1655A>T (p.Lys552Ile)

Gene: PDGFRA (platelet derived growth factor receptor alpha; plus strand). Cytogenetic location: 4q12.
Variant type: single nucleotide variant.
Coding change: c.1655A>T on transcript NM_006206.6 (MANE Select); coding-DNA position 1655, A replaced by T.
Protein change: p.Lys552Ile; replaces lysine 552 with isoleucine.
Molecular consequence: missense variant.
Genome position (GRCh38, 1-based): chr4:54,274,842, A>T. VCF-style: chr4-54274842-A-T. GRCh37 (hg19) VCF-style: chr4-55141009-A-T.
Other names: c.1655A>T, p.Lys552Ile (NM_001347827.2, NM_001347829.2); c.1730A>T, p.Lys577Ile (NM_001347828.2); c.1694A>T, p.Lys565Ile (NM_001347830.2); short protein forms K577I, K552I, K565I.
Identifiers: ClinVar variation 5026435 (VCV005026435.1).
Genomic context (GRCh38, chr4:54,274,842, plus strand): 5'-AAGCTCTGGTGCACTGGGACTTTGGTAATTCACCAGTTACCTGTCCTGGTCATTTATAGA[A>T]ACCGAGGTATGAAATTCGCTGGAGGGTCATTGAATCAATCAGCCCAGATGGACATGAATA-3'
Protein context (NP_006197.1, residues 542-562): LIVLVVIWKQ[Lys552Ile]PRYEIRWRVI